The following is an entry in ClinVar:

ClinVar aggregate classification (germline): Uncertain significance. Review status: criteria provided, multiple submitters, no conflicts (2 of 4 stars). 2 submissions from 2 submitters: Uncertain significance (2). Last evaluated 2024-11-24.

Conditions:
Inborn genetic diseases. Identifiers: MedGen C0950123, MeSH D030342.

Allele frequency attached by ClinVar (database versions not stated): gnomAD 0.00001; ExAC 0.00011; ESP Exome Variant Server 0.00016.

Submissions (2):

Ambry Genetics
Classification: Uncertain significance for Inborn genetic diseases. Last evaluated: 2024-11-24. Review status: criteria provided, single submitter. Criteria: Ambry Variant Classification Scheme 2023. Collection method: clinical testing. Allele origin: germline.

Labcorp Genetics (formerly Invitae), Labcorp
Classification: Uncertain significance. Last evaluated: 2022-10-13. Review status: criteria provided, single submitter. Criteria: Invitae Variant Classification Sherloc (09022015). Collection method: clinical testing. Allele origin: germline.
Comment: This sequence change replaces alanine, which is neutral and non-polar, with valine, which is neutral and non-polar, at codon 19 of the PROSC protein (p.Ala19Val). This variant is present in population databases (rs149994926, gnomAD 0.01%). This variant has not been reported in the literature in individuals affected with PROSC-related conditions. Advanced modeling of protein sequence and biophysical properties (such as structural, functional, and spatial information, amino acid conservation, physicochemical variation, residue mobility, and thermodynamic stability) performed at Invitae indicates that this missense variant is not expected to disrupt PROSC protein function. In summary, the available evidence is currently insufficient to determine the role of this variant in disease. Therefore, it has been classified as a Variant of Uncertain Significance.

NM_007198.4(PLPBP):c.56C>T (p.Ala19Val)

Genes: PLPBP (pyridoxal phosphate binding protein; plus strand), LOC113788277 (Sharpr-MPRA regulatory region 13802; plus strand). Cytogenetic location: 8p11.23.
Variant type: single nucleotide variant.
Coding change: c.56C>T on transcript NM_007198.4 (MANE Select); coding-DNA position 56, C replaced by T.
Protein change: p.Ala19Val; replaces alanine 19 with valine.
Molecular consequence: missense variant. On other transcripts: intron variant (1).
Genome position (GRCh38, 1-based): chr8:37,762,715, C>T. VCF-style: chr8-37762715-C-T. GRCh37 (hg19) VCF-style: chr8-37620233-C-T.
Other names: c.56C>T, p.Ala19Val (NM_001349346.2, NM_001349347.2); c.161C>T, p.Ala54Val (NM_001349349.1); c.-58+15C>T (NM_001349348.2); c.56C>T (NM_007198.3); short protein forms A19V, A54V.
Identifiers: ClinVar variation 1973167 (VCV001973167.3), dbSNP rs149994926, ClinGen allele CA4711103.